The following is an entry in ClinVar:

ClinVar aggregate classification (germline): Likely pathogenic. Review status: criteria provided, single submitter (1 of 4 stars). 2 submissions from 2 submitters: Likely pathogenic (1). 1 of the submissions does not count toward it. Last evaluated 2025-11-24.

Conditions:
Cardiovascular phenotype. Identifiers: MedGen CN230736.
Amyloidosis, hereditary systemic 1 (AMYLD1). Also called: Transthyretin Amyloidosis; Hereditary Transthyretin Amyloidosis; Isolated Cardiac Amyloidosis; Amyloid Cardiomyopathy, Transthyretin-related; Familial amyloid polyneuropathy; Hereditary oculoleptomeningeal amyloid angiopathy. Identifiers: Orphanet 85447, Orphanet 85451, MedGen C2751492, MONDO:0971004, OMIM 105210.

Submissions (2):

Ambry Genetics
Classification: Likely pathogenic for Cardiovascular phenotype. Last evaluated: 2025-11-24. Review status: criteria provided, single submitter. Criteria: Ambry Variant Classification Scheme 2023. Collection method: clinical testing. Allele origin: germline.
Comment: The p.L131M variant (also known as c.391C>A), located in coding exon 4 of the TTR gene, results from a C to A substitution at nucleotide position 391. The leucine at codon 131 is replaced by methionine, an amino acid with highly similar properties. This variant was reported in individual(s) with features consistent with hereditary transthyretin-related amyloidosis (Nordlie M et al. Scand J Immunol, 1988 Jan;27:119-22; Altland K et al. Electrophoresis, 2007 Jun;28:2053-64; Nelson LM et al. Clin Transplant, 2013 Dec;27:203-9; Suhr OB et al. Transplantation, 2016 Feb;100:373-81; Damy T et al. Eur Heart J, 2019 Apr;43:391-400; Caponetti AG et al. JACC Heart Fail, 2021 Oct;9:736-746; Barroso FA et al. Amyloid, 2022 Sep;29:175-183; Dispenzieri A et al. Orphanet J Rare Dis, 2022 Jun;17:236). Note, this variant is also referred to as p.L111M in the literature. This amino acid position is highly conserved in available vertebrate species. In addition, this alteration is predicted to be deleterious by in silico analysis. This variant is considered to be rare based on population cohorts in the Genome Aggregation Database (gnomAD). Based on the majority of available evidence to date, this variant is likely to be pathogenic.

OMIM
Classification: Pathogenic for AMYLOIDOSIS, HEREDITARY SYSTEMIC 1. Last evaluated: 1993-10-01. Review status: no assertion criteria provided. Collection method: literature only. Allele origin: germline. Not counted in ClinVar's aggregate classification.

Literature cited by the submitters: PubMed 17503405 (cited by Ambry Genetics); PubMed 23278526 (cited by Ambry Genetics); PubMed 26361241 (cited by Ambry Genetics); PubMed 26656838 (cited by Ambry Genetics); PubMed 30938420 (cited by Ambry Genetics); PubMed 3340821 (cited by Ambry Genetics); PubMed 34391735 (cited by Ambry Genetics); PubMed 35451899 (cited by Ambry Genetics); PubMed 35717381 (cited by Ambry Genetics); PubMed 13894830 (cited by OMIM); Husby, G., Ranlov, P. J., Sletten, K., Marhaug, G. Prealbumin nature of the amyloid in familial amyloid cardiomyopathy of Danish origin. In: Glenner, G. G., Osserman, E. F., Bendit, E. P., Calkins, E., Cohen, A. S., Zucker-Franklin, D. (eds.) Amyloidosis. New York: Plenum (pub.) 391-399, 1986. (cited by OMIM); PubMed 8406434 (cited by OMIM); Nordvag, B.-Y. Molecular genetic studies of inherited, transthyretin-related amyloidosis causing severe cardiac disease in a Danish family. (Abstract) Scand. J. Rheum. 24: 179, 1995. (cited by OMIM); PubMed 1626570 (cited by OMIM); PubMed 8095302 (cited by OMIM); PubMed 1618497 (cited by OMIM); Benson, M. D. Characterization of an amyloid fibril protein in heredofamilial amyloidosis. (Abstract) Clin. Res. 28: 340A, 1980. (cited by OMIM).

NM_000371.4(TTR):c.391C>A (p.Leu131Met)

Gene: TTR (transthyretin; plus strand). Cytogenetic location: 18q12.1.
Variant type: single nucleotide variant.
Coding change: c.391C>A on transcript NM_000371.4 (MANE Select); coding-DNA position 391, C replaced by A.
Protein change: p.Leu131Met; replaces leucine 131 with methionine.
Molecular consequence: missense variant.
Genome position (GRCh38, 1-based): chr18:31,598,622, C>A. VCF-style: chr18-31598622-C-A. GRCh37 (hg19) VCF-style: chr18-29178585-C-A.
Other names: L111M; c.391C>A (NM_000371.3); short protein forms L131M.
Identifiers: ClinVar variation 13424 (VCV000013424.5), dbSNP rs121918073, ClinGen allele CA256804.
Genomic context (GRCh38, chr18:31,598,622, plus strand): 5'-TCATAGGTGGTATTCACAGCCAACGACTCCGGCCCCCGCCGCTACACCATTGCCGCCCTG[C>A]TGAGCCCCTACTCCTATTCCACCACGGCTGTCGTCACCAATCCCAAGGAATGAGGGACTT-3'
Protein context (NP_000362.1, residues 121-141): GPRRYTIAAL[Leu131Met]SPYSYSTTAV